The following is an entry in ClinVar:

ClinVar aggregate classification (germline): Uncertain significance (1 of 4 stars; one submission).

Conditions:
Neuronal ceroid lipofuscinosis. Also called: Neuronal Ceroid Lipofuscinoses. Identifiers: Orphanet 216, Orphanet 79263, MedGen C0027877, MONDO:0016295. Disease mechanism: loss of function.

Allele frequency attached by ClinVar (database versions not stated): gnomAD exomes below 0.00001.
gnomAD v4.1: 3 of 1,613,040 alleles (0.00019%); highest among the groups gnomAD compares: Non-Finnish European, 0.00025%; no homozygotes.

Submission:

Labcorp Genetics (formerly Invitae), Labcorp
Classification: Uncertain significance for Neuronal ceroid lipofuscinosis. Last evaluated: 2022-06-24. Review status: criteria provided, single submitter. Criteria: Invitae Variant Classification Sherloc (09022015). Collection method: clinical testing. Allele origin: germline.
Comment: In summary, the available evidence is currently insufficient to determine the role of this variant in disease. Therefore, it has been classified as a Variant of Uncertain Significance. Algorithms developed to predict the effect of missense changes on protein structure and function output the following: SIFT: "Tolerated"; PolyPhen-2: "Benign"; Align-GVGD: "Class C0". The aspartic acid amino acid residue is found in multiple mammalian species, which suggests that this missense change does not adversely affect protein function. This variant has not been reported in the literature in individuals affected with CTSD-related conditions. This variant is not present in population databases (gnomAD no frequency). This sequence change replaces asparagine, which is neutral and polar, with aspartic acid, which is acidic and polar, at codon 402 of the CTSD protein (p.Asn402Asp).

NM_001909.5(CTSD):c.1204A>G (p.Asn402Asp)

Gene: CTSD (cathepsin D; minus strand). Cytogenetic location: 11p15.5.
Variant type: single nucleotide variant.
Coding change: c.1204A>G on transcript NM_001909.5 (MANE Select); coding-DNA position 1204, A replaced by G.
Protein change: p.Asn402Asp; replaces asparagine 402 with aspartic acid.
Molecular consequence: missense variant.
Genome position (GRCh38, 1-based): chr11:1,753,538, T>C on the plus strand (A>G on the coding strand, the complement: CTSD is on the minus strand). VCF-style: chr11-1753538-T-C. GRCh37 (hg19) VCF-style: chr11-1774768-T-C.
Other names: short protein forms N402D.
Identifiers: ClinVar variation 1918883 (VCV001918883.5), dbSNP rs2493815910, ClinGen allele CA379092371.